The following is an entry in ClinVar:

ClinVar aggregate classification (germline): Uncertain significance (1 of 4 stars; one submission).

gnomAD v4.1: 15 of 1,612,738 alleles (0.00093%); highest among the groups gnomAD compares: Admixed American, 0.02%; no homozygotes.

Submission:

CeGaT Center for Human Genetics Tuebingen
Classification: Uncertain significance. Last evaluated: 2026-06-01. Review status: criteria provided, single submitter. Criteria: CeGaT Center For Human Genetics Tuebingen Variant Classification Criteria Version 2. Collection method: clinical testing. Allele origin: germline. Affected: yes. Observed: 1 variant allele.
Comment: DALRD3: PM2, BP4

NM_001009996.3(DALRD3):c.1139A>G (p.Gln380Arg)

Gene: DALRD3 (DALR anticodon binding domain containing 3; minus strand). Cytogenetic location: 3p21.31.
Variant type: single nucleotide variant.
Coding change: c.1139A>G on transcript NM_001009996.3 (MANE Select); coding-DNA position 1139, A replaced by G.
Protein change: p.Gln380Arg; replaces glutamine 380 with arginine.
Molecular consequence: missense variant.
Genome position (GRCh38, 1-based): chr3:49,016,436, T>C on the plus strand (A>G on the coding strand, the complement: DALRD3 is on the minus strand). VCF-style: chr3-49016436-T-C. GRCh37 (hg19) VCF-style: chr3-49053869-T-C.
Other names: c.1139A>G, p.Gln380Arg (NM_001276405.2); c.638A>G, p.Gln213Arg (NM_018114.6); short protein forms Q213R, Q380R.
Identifiers: ClinVar variation 4873255 (VCV004873255.2).